The following is an entry in ClinVar:

NM_001360.3(DHCR7):c.412+3A>T

Gene: DHCR7 (7-dehydrocholesterol reductase; minus strand). Cytogenetic location: 11q13.4.
Variant type: single nucleotide variant.
Coding change: c.412+3A>T on transcript NM_001360.3 (MANE Select); 3 bases into the intron after coding-DNA position 412, A replaced by T.
Molecular consequence: intron variant.
Genome position (GRCh38, 1-based): chr11:71,442,260, T>A on the plus strand (A>T on the coding strand, the complement: DHCR7 is on the minus strand). VCF-style: chr11-71442260-T-A. GRCh37 (hg19) VCF-style: chr11-71153306-T-A.
Other names: IVS5DS, A-T, +3; c.322_412del (NM_001360.2); c.412+3A>T (NM_001163817.2, NM_001360.2).
Identifiers: ClinVar variation 30278 (VCV000030278.8), dbSNP rs786200926, ClinGen allele CA259777.

ClinVar aggregate classification (germline): Likely pathogenic. Review status: criteria provided, multiple submitters, no conflicts (2 of 4 stars). 4 submissions from 4 submitters: Likely pathogenic (3). 1 of the submissions does not count toward it. Last evaluated 2025-08-04.

Conditions:
Smith-Lemli-Opitz syndrome (SLOS). Also called: LETHAL ACRODYSGENITAL SYNDROME; POLYDACTYLY, SEX REVERSAL, RENAL HYPOPLASIA, AND UNILOBAR LUNG; RSH SYNDROME; RUTLEDGE LETHAL MULTIPLE CONGENITAL ANOMALY SYNDROME; 7-Dehydrocholesterol reductase deficiency. Identifiers: Orphanet 818, MedGen C0175694, MONDO:0010035, OMIM 270400.

Allele frequency attached by ClinVar (database versions not stated): TOPMed below 0.00001; gnomAD 0.00001.
gnomAD v4.1: 1 of 1,610,216 alleles (0.000062%); highest among the groups gnomAD compares: Non-Finnish European, 0.000085%; no homozygotes.

Submissions (4):

Natera, Inc.
Classification: Likely pathogenic for Smith-Lemli-Opitz syndrome. Last evaluated: 2025-08-04. Review status: criteria provided, single submitter. Criteria: Natera Variant Classification Schema (03/2026). Collection method: clinical testing. Allele origin: germline.
Comment: The c.412+3A>T variant in DHCR7 is an intronic variant located outside the canonical splice sites. This variant is rare in the general population with a frequency below the threshold expected for the associated phenotype(s). This variant has been observed in one or more individuals affected with the associated recessive disease, as either homozygous or compound heterozygous with a second variant (PMID: 20635399). Functional studies show that this variant may disrupt protein function (PMID: 20635399). Computational prediction algorithms indicate this variant is likely to affect gene or protein function. Given the available evidence, this variant is classified as Likely Pathogenic.

Fulgent Genetics
Classification: Likely pathogenic for Smith-Lemli-Opitz syndrome. Last evaluated: 2024-04-11. Review status: criteria provided, single submitter. Criteria: ACMG Guidelines, 2015. Collection method: clinical testing. Allele origin: germline.

Labcorp Genetics (formerly Invitae), Labcorp
Classification: Likely pathogenic for Smith-Lemli-Opitz syndrome. Last evaluated: 2021-11-11. Review status: criteria provided, single submitter. Criteria: Invitae Variant Classification Sherloc (09022015). Collection method: clinical testing. Allele origin: germline.
Comment: In summary, the currently available evidence indicates that the variant is pathogenic, but additional data are needed to prove that conclusively. Therefore, this variant has been classified as Likely Pathogenic. Variants that disrupt the consensus splice site are a relatively common cause of aberrant splicing (PMID: 17576681, 9536098). Studies have shown that this variant results in skipping of exon 5 and introduces a premature termination codon (PMID: 20635399). The resulting mRNA is expected to undergo nonsense-mediated decay. ClinVar contains an entry for this variant (Variation ID: 30278). This variant is also known as IVS5+3A>T. This variant has been observed in individual(s) with clinical features of Smith-Lemli-Opitz syndrome (PMID: 20635399). This variant is not present in population databases (gnomAD no frequency). This sequence change falls in intron 5 of the DHCR7 gene. It does not directly change the encoded amino acid sequence of the DHCR7 protein. RNA analysis indicates that this variant induces altered splicing and may result in an absent or disrupted protein product.

OMIM
Classification: Pathogenic for SMITH-LEMLI-OPITZ SYNDROME. Last evaluated: 2010-08-01. Review status: no assertion criteria provided. Collection method: literature only. Allele origin: germline. Not counted in ClinVar's aggregate classification.

Literature cited by the submitters: PubMed 20635399 (cited by 3 submitters); PubMed 17576681 (cited by Labcorp Genetics (formerly Invitae), Labcorp); PubMed 9536098 (cited by Labcorp Genetics (formerly Invitae), Labcorp).